The following is an entry in ClinVar:

NM_024577.4(SH3TC2):c.53-2A>G

Gene: SH3TC2 (SH3 domain and tetratricopeptide repeats 2; minus strand). Cytogenetic location: 5q32.
Variant type: single nucleotide variant.
Coding change: c.53-2A>G on transcript NM_024577.4 (MANE Select); the canonical splice acceptor site of the intron before coding-DNA position 53, A replaced by G.
Molecular consequence: splice acceptor variant.
Genome position (GRCh38, 1-based): chr5:149,052,242, T>C on the plus strand (A>G on the coding strand, the complement: SH3TC2 is on the minus strand). VCF-style: chr5-149052242-T-C. GRCh37 (hg19) VCF-style: chr5-148431805-T-C.
Identifiers: ClinVar variation 1068164 (VCV001068164.8), dbSNP rs2127403412, ClinGen allele CA361681905.

ClinVar aggregate classification (germline): Likely pathogenic. Review status: criteria provided, multiple submitters, no conflicts (2 of 4 stars). 2 submissions from 2 submitters: Likely pathogenic (2). Last evaluated 2025-12-03.

Conditions:
Charcot-Marie-Tooth disease type 4. Also called: Charcot-Marie-Tooth disease, type IV; Charcot-Marie-Tooth, Type 4. Identifiers: Orphanet 64749, MedGen C4082197, MONDO:0018995.
Charcot-Marie-Tooth disease type 4C (CMT4C). Also called: SH3TC2-Related Hereditary Motor and Sensory Neuropathy; CMT 4C; Charcot-Marie-Tooth Neuropathy Type 4C (CMT4C); CHARCOT-MARIE-TOOTH DISEASE, DEMYELINATING, AUTOSOMAL RECESSIVE, TYPE 4C; CHARCOT-MARIE-TOOTH DISEASE, DEMYELINATING, TYPE 4C. Identifiers: Orphanet 99949, MedGen C1866636, MONDO:0011113, OMIM 601596.

Submissions (2):

Women's Health and Genetics/Laboratory Corporation of America, LabCorp
Classification: Likely pathogenic for Charcot-Marie-Tooth disease type 4C. Last evaluated: 2025-12-03. Review status: criteria provided, single submitter. Criteria: LabCorp Variant Classification Summary - May 2015. Collection method: clinical testing. Allele origin: germline.
Comment: Variant summary: SH3TC2 c.53-2A>G is located in a canonical splice-site and is predicted to affect mRNA splicing resulting in a significantly altered protein due to either exon skipping, shortening, or inclusion of intronic material. Variants that disrupt the consensus splice site are a relatively common cause of aberrant splicing and loss of SH3TC2 function. Several computational tools predict a significant impact on normal splicing: Four predict the variant abolishes a 3' acceptor site. However, these predictions have yet to be confirmed by functional studies. The variant was absent in 282662 control chromosomes. To our knowledge, no occurrence of c.53-2A>G in individuals affected with SH3TC2-related conditions and no experimental evidence demonstrating its impact on protein function have been reported. ClinVar contains an entry for this variant (Variation ID: 1068164). Based on the evidence outlined above, the variant was classified as likely pathogenic.

Labcorp Genetics (formerly Invitae), Labcorp
Classification: Likely pathogenic for Charcot-Marie-Tooth disease type 4. Last evaluated: 2020-08-06. Review status: criteria provided, single submitter. Criteria: Invitae Variant Classification Sherloc (09022015). Collection method: clinical testing. Allele origin: germline.
Comment: In summary, the currently available evidence indicates that the variant is pathogenic, but additional data are needed to prove that conclusively. Therefore, this variant has been classified as Likely Pathogenic. Donor and acceptor splice site variants typically lead to a loss of protein function (PMID: 16199547), and loss-of-function variants in SH3TC2 are known to be pathogenic (PMID: 20220177, 27068304). Algorithms developed to predict the effect of sequence changes on RNA splicing suggest that this variant may disrupt the consensus splice site, but this prediction has not been confirmed by published transcriptional studies. This variant has not been reported in the literature in individuals with SH3TC2-related conditions. This variant is not present in population databases (ExAC no frequency). This sequence change affects an acceptor splice site in intron 1 of the SH3TC2 gene. It is expected to disrupt RNA splicing and likely results in an absent or disrupted protein product.

Literature cited by the submitters: PubMed 16199547 (cited by Labcorp Genetics (formerly Invitae), Labcorp); PubMed 20220177 (cited by Labcorp Genetics (formerly Invitae), Labcorp); PubMed 27068304 (cited by Labcorp Genetics (formerly Invitae), Labcorp).